The following is an entry in ClinVar:

NM_000465.4(BARD1):c.1314+5G>T

Gene: BARD1 (BRCA1 associated RING domain 1; minus strand). Cytogenetic location: 2q35.
Variant type: single nucleotide variant.
Coding change: c.1314+5G>T on transcript NM_000465.4 (MANE Select); 5 bases into the intron after coding-DNA position 1314, G replaced by T.
Molecular consequence: intron variant.
Genome position (GRCh38, 1-based): chr2:214,780,555, C>A on the plus strand (G>T on the coding strand, the complement: BARD1 is on the minus strand). VCF-style: chr2-214780555-C-A. GRCh37 (hg19) VCF-style: chr2-215645279-C-A.
Other names: c.159-28000G>T (NM_001282548.2); c.1257+5G>T (NM_001282543.2); c.215+16506G>T (NM_001282545.2); c.364+11742G>T (NM_001282549.2); c.1314+5G>T (LRG_297t1).
Identifiers: ClinVar variation 419682 (VCV000419682.25), dbSNP rs868089048, ClinGen allele CA16617443.

ClinVar aggregate classification (germline): Uncertain significance. Review status: criteria provided, multiple submitters, no conflicts (2 of 4 stars). 7 submissions from 7 submitters: Uncertain significance (7). Last evaluated 2026-03-16.

Conditions:
Hereditary cancer-predisposing syndrome. Also called: Neoplastic Syndromes, Hereditary; Hereditary Cancer Syndrome; Hereditary neoplastic syndrome; Tumor predisposition. Identifiers: Orphanet 140162, MedGen C0027672, MeSH D009386, MONDO:0015356.
Familial cancer of breast. Also called: BREAST CANCER, FAMILIAL; Hereditary breast cancer; hereditary breast carcinoma. Identifiers: Orphanet 227535, MedGen C0346153, MONDO:0016419, OMIM 114480. Disease mechanism: loss of function.
Hereditary breast ovarian cancer syndrome. Also called: Hereditary breast and ovarian cancer syndrome (HBOC); Hereditary breast and ovarian cancer syndrome; Hereditary breast and/or ovarian cancer syndrome; BRCA1- and BRCA2-Associated Hereditary Breast and Ovarian Cancer; Hereditary breast and ovarian cancer; Breast and ovarian cancer. Identifiers: Orphanet 145, MedGen C0677776, MeSH D061325, MONDO:0003582. Disease mechanism: loss of function.

Allele frequency attached by ClinVar (database versions not stated): TOPMed 0.00002.
gnomAD v4.1: 3 of 1,612,338 alleles (0.00019%); highest among the groups gnomAD compares: African/African-American, 0.0027%; no homozygotes.

Submissions (7):

German Consortium for Hereditary Breast and Ovarian Cancer, University Hospital Cologne
Classification: Uncertain significance for Hereditary breast ovarian cancer syndrome. Last evaluated: 2026-03-16. Review status: criteria provided, single submitter. Criteria: ACMG SVI. Collection method: curation. Allele origin: germline.
Comment: This classification follows the ACMG SVI adaptation classification scheme; We chose these criteria: PM2 (supporting pathogenic): gnomAF v4.1.0 Grpmax Filtering AF = 0.000004430 (0.0004%), PP3 (supporting pathogenic): spliceAI Donor Loss Δ score: 0.38

Labcorp Genetics (formerly Invitae), Labcorp
Classification: Uncertain significance for Familial cancer of breast. Last evaluated: 2025-12-06. Review status: criteria provided, single submitter. Criteria: Invitae Variant Classification Sherloc (09022015). Collection method: clinical testing. Allele origin: germline.
Comment: This sequence change falls in intron 4 of the BARD1 gene. It does not directly change the encoded amino acid sequence of the BARD1 protein. It affects a nucleotide within the consensus splice site. This variant is not present in population databases (gnomAD no frequency). This variant has not been reported in the literature in individuals affected with BARD1-related conditions. ClinVar contains an entry for this variant (Variation ID: 419682). Variants that disrupt the consensus splice site are a relatively common cause of aberrant splicing (PMID: 17576681, 9536098). Studies have shown that this variant is associated with inconclusive levels of altered splicing (internal data). In summary, the available evidence is currently insufficient to determine the role of this variant in disease. Therefore, it has been classified as a Variant of Uncertain Significance.

Ambry Genetics
Classification: Uncertain significance for Hereditary cancer-predisposing syndrome. Last evaluated: 2025-12-03. Review status: criteria provided, single submitter. Criteria: Ambry Variant Classification Scheme 2023. Collection method: clinical testing. Allele origin: germline.
Comment: The c.1314+5G>T intronic variant results from a G to T substitution 5 nucleotides after coding exon 4 in the BARD1 gene. This nucleotide position is well conserved in available vertebrate species. In silico splice site analysis predicts that this alteration may weaken the native splice donor site. However, RNA studies have demonstrated that this alteration does not result in abnormal splicing in the set of samples tested (Ambry internal data). Based on the available evidence, the clinical significance of this variant remains unclear.

Institute for Clinical Genetics, University Hospital TU Dresden, University Hospital TU Dresden
Classification: Uncertain significance. Last evaluated: 2021-11-03. Review status: criteria provided, single submitter. Criteria: ACMG Guidelines, 2015. Collection method: clinical testing. Allele origin: germline.

Color Diagnostics, LLC DBA Color Health
Classification: Uncertain significance for Hereditary cancer-predisposing syndrome. Last evaluated: 2020-07-21. Review status: criteria provided, single submitter. Criteria: ACMG Guidelines, 2015. Collection method: clinical testing. Allele origin: germline.
Comment: This variant causes a G to T nucleotide substitution at the +5 position of intron 4 of the BARD1 gene. Splice site prediction tools predict that this variant may have a significant impact on RNA splicing. However, this prediction has not been confirmed in published RNA studies. To our knowledge, this variant has not been reported in individuals affected with hereditary cancer in the literature. This variant has not been identified in the general population by the Genome Aggregation Database (gnomAD). The available evidence is insufficient to determine the role of this variant in disease conclusively. Therefore, this variant is classified as a Variant of Uncertain Significance.

Quest Diagnostics Nichols Institute San Juan Capistrano
Classification: Uncertain significance. Last evaluated: 2018-08-15. Review status: criteria provided, single submitter. Criteria: Quest Diagnostics criteria. Collection method: clinical testing. Allele origin: germline.

GeneDx
Classification: Uncertain significance. Last evaluated: 2016-05-24. Review status: criteria provided, single submitter. Criteria: GeneDx Variant Classification (06012015). Collection method: clinical testing. Allele origin: germline. Affected: yes.
Comment: This variant is denoted BARD1 c.1314+5G>T or IVS4+5G>T and consists of a G>T nucleotide substitution at the +5 position of intron 4 of the BARD1 gene. Multiple in silico models predict this variant to weaken the nearby natural splicing donor site, and to possibly cause abnormal gene splicing. However, in the absence of RNA or functional studies, the actual effect of this variant is unknown. This variant has not, to our knowledge, been published in the literature as either a mutation or a benign polymorphism. The guanine (G) nucleotide that is altered is conserved across species. Based on the currently available information, we consider BARD1 c.1314+5G>T to be a variant of unknown significance.

Literature cited by the submitters: PubMed 17576681 (cited by Labcorp Genetics (formerly Invitae), Labcorp); PubMed 9536098 (cited by Labcorp Genetics (formerly Invitae), Labcorp).